The following is an entry in ClinVar:

NM_005051.3(QARS1):c.214C>T (p.Leu72Phe)

Gene: QARS1 (glutaminyl-tRNA synthetase 1; minus strand). Cytogenetic location: 3p21.31.
Variant type: single nucleotide variant.
Coding change: c.214C>T on transcript NM_005051.3 (MANE Select); coding-DNA position 214, C replaced by T.
Protein change: p.Leu72Phe; replaces leucine 72 with phenylalanine.
Molecular consequence: missense variant. On other transcripts: non-coding transcript variant (1).
Genome position (GRCh38, 1-based): chr3:49,104,375, G>A on the plus strand (C>T on the coding strand, the complement: QARS1 is on the minus strand). VCF-style: chr3-49104375-G-A. GRCh37 (hg19) VCF-style: chr3-49141808-G-A.
Other names: c.214C>T, p.Leu72Phe (NM_001272073.2); short protein forms L72F.
Identifiers: ClinVar variation 952069 (VCV000952069.7), dbSNP rs1362208293, ClinGen allele CA352722638.

ClinVar aggregate classification (germline): Uncertain significance (1 of 4 stars; one submission).

Conditions:
Diffuse cerebral and cerebellar atrophy - intractable seizures - progressive microcephaly syndrome. Also called: Microcephaly, progressive, with seizures and cerebral and cerebellar atrophy. Identifiers: Orphanet 404437, MedGen C4014239, MONDO:0014335, OMIM 615760.

Allele frequency attached by ClinVar (database versions not stated): gnomAD exomes below 0.00001.
gnomAD v4.1: 6 of 1,614,146 alleles (0.00037%); no homozygotes.

Submissions (2):

Labcorp Genetics (formerly Invitae), Labcorp
Classification: Uncertain significance for Diffuse cerebral and cerebellar atrophy - intractable seizures - progressive microcephaly syndrome. Last evaluated: 2019-07-01. Review status: criteria provided, single submitter. Criteria: Invitae Variant Classification Sherloc (09022015). Collection method: clinical testing. Allele origin: germline.
Comment: In summary, the available evidence is currently insufficient to determine the role of this variant in disease. Therefore, it has been classified as a Variant of Uncertain Significance. Algorithms developed to predict the effect of missense changes on protein structure and function are either unavailable or do not agree on the potential impact of this missense change (SIFT: "Deleterious"; PolyPhen-2: "Probably Damaging"; Align-GVGD: "Class C0"). This variant has not been reported in the literature in individuals with QARS-related conditions. This variant is not present in population databases (ExAC no frequency). This sequence change replaces leucine with phenylalanine at codon 72 of the QARS protein (p.Leu72Phe). The leucine residue is moderately conserved and there is a small physicochemical difference between leucine and phenylalanine.

Dr. Peter K. Rogan Lab, Western University
No classification provided (evidence only). Condition: Ovarian serous cystadenocarcinoma. Review status: no classification provided. Collection method: in vitro. Allele origin: not applicable. Functional consequence: retained intron. Not counted in ClinVar's aggregate classification.